The following is an entry in ClinVar:

NM_001098.3(ACO2):c.172C>T (p.Arg58Ter)

Gene: ACO2 (aconitase 2; plus strand). Cytogenetic location: 22q13.2.
Variant type: single nucleotide variant.
Coding change: c.172C>T on transcript NM_001098.3 (MANE Select); coding-DNA position 172, C replaced by T.
Protein change: p.Arg58Ter; replaces arginine 58 with a stop codon.
Molecular consequence: nonsense.
Genome position (GRCh38, 1-based): chr22:41,499,861, C>T. VCF-style: chr22-41499861-C-T. GRCh37 (hg19) VCF-style: chr22-41895865-C-T.
Other names: short protein forms R58*.
Identifiers: ClinVar variation 441075 (VCV000441075.12), dbSNP rs751460831, ClinGen allele CA10257291.

ClinVar aggregate classification (germline): Pathogenic/Likely pathogenic. Review status: criteria provided, multiple submitters, no conflicts (2 of 4 stars). 2 submissions from 2 submitters: Pathogenic (1); Likely pathogenic (1). Last evaluated 2022-10-13.

Conditions:
ACO2-related disorder. Also called: ACO2-Related Disorders.

Allele frequency attached by ClinVar (database versions not stated): gnomAD exomes below 0.00001; TOPMed below 0.00001; ExAC 0.00001; gnomAD 0.00001.
gnomAD v4.1: 4 of 1,613,710 alleles (0.00025%); highest among the groups gnomAD compares: African/African-American, 0.0013%; no homozygotes.

Submissions (2):

Labcorp Genetics (formerly Invitae), Labcorp
Classification: Pathogenic. Last evaluated: 2022-10-13. Review status: criteria provided, single submitter. Criteria: Invitae Variant Classification Sherloc (09022015). Collection method: clinical testing. Allele origin: germline.
Comment: For these reasons, this variant has been classified as Pathogenic. ClinVar contains an entry for this variant (Variation ID: 441075). This premature translational stop signal has been observed in individual(s) with ACO2-related conditions (PMID: 30689204). This variant is present in population databases (rs751460831, gnomAD 0.003%). This sequence change creates a premature translational stop signal (p.Arg58*) in the ACO2 gene. It is expected to result in an absent or disrupted protein product. Loss-of-function variants in ACO2 are known to be pathogenic (PMID: 30689204, 32519519).

Blueprint Genetics
Classification: Likely pathogenic for ACO2-related disorders. Last evaluated: 2020-08-14. Review status: criteria provided, single submitter. Criteria: ACMG Guidelines, 2015. Collection method: clinical testing. Allele origin: germline. Affected: yes. Observed: 1 variant allele.

Literature cited by the submitters: PubMed 30689204 (cited by Labcorp Genetics (formerly Invitae), Labcorp); PubMed 32519519 (cited by Labcorp Genetics (formerly Invitae), Labcorp).